The following is an entry in ClinVar:

NM_007129.5(ZIC2):c.112C>G (p.Arg38Gly)

Gene: ZIC2 (Zic family zinc finger 2; plus strand). Cytogenetic location: 13q32.3.
Variant type: single nucleotide variant.
Coding change: c.112C>G on transcript NM_007129.5 (MANE Select); coding-DNA position 112, C replaced by G.
Protein change: p.Arg38Gly; replaces arginine 38 with glycine.
Molecular consequence: missense variant.
Genome position (GRCh38, 1-based): chr13:99,982,176, C>G. VCF-style: chr13-99982176-C-G. GRCh37 (hg19) VCF-style: chr13-100634430-C-G.
Other names: short protein forms R38G.
Identifiers: ClinVar variation 3006954 (VCV003006954.3), dbSNP rs1304461541, ClinGen allele CA388636582.

ClinVar aggregate classification (germline): Uncertain significance (1 of 4 stars; one submission).

Conditions:
Holoprosencephaly 5 (HPE5). Identifiers: Orphanet 2162, MedGen C1864827, MONDO:0012322, OMIM 609637.

Submission:

Labcorp Genetics (formerly Invitae), Labcorp
Classification: Uncertain significance for Holoprosencephaly 5. Last evaluated: 2023-06-27. Review status: criteria provided, single submitter. Criteria: Invitae Variant Classification Sherloc (09022015). Collection method: clinical testing. Allele origin: germline.
Comment: This variant is not present in population databases (gnomAD no frequency). This sequence change replaces arginine, which is basic and polar, with glycine, which is neutral and non-polar, at codon 38 of the ZIC2 protein (p.Arg38Gly). In summary, the available evidence is currently insufficient to determine the role of this variant in disease. Therefore, it has been classified as a Variant of Uncertain Significance. An algorithm developed to predict the effect of missense changes on protein structure and function (PolyPhen-2) suggests that this variant is likely to be disruptive. This variant has not been reported in the literature in individuals affected with ZIC2-related conditions.